The following is an entry in ClinVar:

ClinVar aggregate classification (germline): Likely benign (1 of 4 stars; one submission).

Allele frequency attached by ClinVar (database versions not stated): 1000 Genomes Project 0.01078; 1000 Genomes Project 30x 0.01171; gnomAD 0.01568 and 0.01626; TOPMed 0.01702.
gnomAD v4.1: 2,374 of 152,318 alleles (1.6%); highest among the groups gnomAD compares: African/African-American, 2.9%; 23 homozygotes.

Submission:

GeneDx
Classification: Likely benign. Last evaluated: 2018-06-16. Review status: criteria provided, single submitter. Criteria: GeneDx Variant Classification (06012015). Collection method: clinical testing. Allele origin: germline. Affected: yes.
Comment: This variant is considered likely benign or benign based on one or more of the following criteria: it is a conservative change, it occurs at a poorly conserved position in the protein, it is predicted to be benign by multiple in silico algorithms, and/or has population frequency not consistent with disease.

NM_022114.4(PRDM16):c.2692-282C>T

Gene: PRDM16 (PR/SET domain 16; plus strand). Cytogenetic location: 1p36.32.
Variant type: single nucleotide variant.
Coding change: c.2692-282C>T on transcript NM_022114.4 (MANE Select); 282 bases into the intron before coding-DNA position 2692, C replaced by T.
Molecular consequence: intron variant.
Genome position (GRCh38, 1-based): chr1:3,417,546, C>T. VCF-style: chr1-3417546-C-T. GRCh37 (hg19) VCF-style: chr1-3334110-C-T.
Other names: c.2692-282C>T (NM_199454.3).
Identifiers: ClinVar variation 673368 (VCV000673368.1), dbSNP rs77830654, ClinGen allele CA16974009.